The following is an entry in ClinVar:

ClinVar aggregate classification (germline): Benign/Likely benign. Review status: criteria provided, multiple submitters, no conflicts (2 of 4 stars). 4 submissions from 4 submitters: Benign (1); Likely benign (3). Last evaluated 2024-07-24.

Conditions:
Hereditary cancer-predisposing syndrome. Also called: Tumor predisposition; Hereditary Cancer Syndrome; Neoplastic Syndromes, Hereditary; Hereditary neoplastic syndrome. Identifiers: Orphanet 140162, MedGen C0027672, MeSH D009386, MONDO:0015356.
Familial cancer of breast. Also called: BREAST CANCER, FAMILIAL; Hereditary breast cancer; hereditary breast carcinoma. Identifiers: Orphanet 227535, MedGen C0346153, MONDO:0016419, OMIM 114480. Disease mechanism: loss of function.

Allele frequency attached by ClinVar (database versions not stated): TOPMed below 0.00001.
gnomAD v4.1: 1 of 1,614,104 alleles (0.000062%); no homozygotes.

Submissions (4):

Myriad Genetics, Inc.
Classification: Benign for Familial cancer of breast. Last evaluated: 2024-07-24. Review status: criteria provided, single submitter. Criteria: Myriad Autosomal Dominant, Autosomal Recessive and X-Linked Classification Criteria (2023). Collection method: clinical testing. Allele origin: unknown.
Comment: This variant is considered benign. This variant is a silent/synonymous amino acid change and it is not expected to impact splicing.

Labcorp Genetics (formerly Invitae), Labcorp
Classification: Likely benign for Familial cancer of breast. Last evaluated: 2024-02-16. Review status: criteria provided, single submitter. Criteria: Invitae Variant Classification Sherloc (09022015). Collection method: clinical testing. Allele origin: germline.

Ambry Genetics
Classification: Likely benign for Hereditary cancer-predisposing syndrome. Last evaluated: 2019-10-01. Review status: criteria provided, single submitter. Criteria: Ambry Variant Classification Scheme 2023. Collection method: clinical testing. Allele origin: germline.

Color Diagnostics, LLC DBA Color Health
Classification: Likely benign for Hereditary cancer-predisposing syndrome. Last evaluated: 2019-01-22. Review status: criteria provided, single submitter. Criteria: ACMG Guidelines, 2015. Collection method: clinical testing. Allele origin: germline.

NM_000465.4(BARD1):c.1038T>C (p.Asp346=)

Gene: BARD1 (BRCA1 associated RING domain 1; minus strand). Cytogenetic location: 2q35.
Variant type: single nucleotide variant.
Coding change: c.1038T>C on transcript NM_000465.4 (MANE Select); coding-DNA position 1038, T replaced by C.
Protein change: p.Asp346=; no amino-acid change (aspartic acid 346 retained).
Molecular consequence: synonymous variant. On other transcripts: non-coding transcript variant (2), intron variant (3).
Genome position (GRCh38, 1-based): chr2:214,780,836, A>G on the plus strand (T>C on the coding strand, the complement: BARD1 is on the minus strand). VCF-style: chr2-214780836-A-G. GRCh37 (hg19) VCF-style: chr2-215645560-A-G.
Other names: c.981T>C, p.Asp327= (NM_001282543.2); c.159-28281T>C (NM_001282548.2); c.215+16225T>C (NM_001282545.2); c.364+11461T>C (NM_001282549.2).
Identifiers: ClinVar variation 822065 (VCV000822065.10), dbSNP rs1574817811, ClinGen allele CA431390621.